The following is an entry in ClinVar:

ClinVar aggregate classification (germline): Uncertain significance (1 of 4 stars; one submission).

Conditions:
Hereditary cancer-predisposing syndrome. Also called: Neoplastic Syndromes, Hereditary; Tumor predisposition; Hereditary Cancer Syndrome; Hereditary neoplastic syndrome. Identifiers: Orphanet 140162, MedGen C0027672, MeSH D009386, MONDO:0015356.

Submission:

Ambry Genetics
Classification: Uncertain significance for Hereditary cancer-predisposing syndrome. Last evaluated: 2025-04-19. Review status: criteria provided, single submitter. Criteria: Ambry Variant Classification Scheme 2023. Collection method: clinical testing. Allele origin: germline.
Comment: The p.D235V variant (also known as c.704A>T), located in coding exon 7 of the MRE11A gene, results from an A to T substitution at nucleotide position 704. The aspartic acid at codon 235 is replaced by valine, an amino acid with highly dissimilar properties. This amino acid position is highly conserved in available vertebrate species. In addition, this alteration is predicted to be deleterious by in silico analysis. Since supporting evidence is limited at this time, the clinical significance of this alteration remains unclear.

NM_005591.4(MRE11):c.704A>T (p.Asp235Val)

Gene: MRE11 (MRE11 double strand break repair nuclease; minus strand). Cytogenetic location: 11q21.
Variant type: single nucleotide variant.
Coding change: c.704A>T on transcript NM_005591.4 (MANE Select); coding-DNA position 704, A replaced by T.
Protein change: p.Asp235Val; replaces aspartic acid 235 with valine.
Molecular consequence: missense variant.
Genome position (GRCh38, 1-based): chr11:94,471,715, T>A on the plus strand (A>T on the coding strand, the complement: MRE11 is on the minus strand). VCF-style: chr11-94471715-T-A. GRCh37 (hg19) VCF-style: chr11-94204881-T-A.
Other names: c.704A>T, p.Asp235Val (NM_001330347.2, NM_005590.4); short protein forms D235V.
Identifiers: ClinVar variation 1799594 (VCV001799594.3), dbSNP rs1226604148, ClinGen allele CA382375865.